The following is an entry in ClinVar:

NM_000452.3(SLC10A2):c.145dup (p.Met49fs)

Gene: SLC10A2 (solute carrier family 10 member 2; minus strand). Cytogenetic location: 13q33.1.
Variant type: Duplication.
Coding change: c.145dup on transcript NM_000452.3 (MANE Select); coding-DNA position 145, one base duplicated (A; older notation c.145dupA).
Protein change: p.Met49fs; shifts the reading frame from methionine 49.
Molecular consequence: frameshift variant.
Genome position (GRCh38, 1-based): chr13:103,066,105, T duplicated on the plus strand (A on the coding strand, the reverse complement: SLC10A2 is on the minus strand). VCF-style (leftmost placement, unchanged base first): chr13-103066104-A-AT. GRCh37 (hg19) VCF-style: chr13-103718454-A-AT.
Other names: short protein forms M49fs.
Identifiers: ClinVar variation 2102645 (VCV002102645.4), dbSNP rs775205326, ClinGen allele CA7042333.

ClinVar aggregate classification (germline): Uncertain significance (1 of 4 stars; one submission).

Allele frequency attached by ClinVar (database versions not stated): gnomAD exomes 0.00002; ExAC 0.00006.

Submission:

Labcorp Genetics (formerly Invitae), Labcorp
Classification: Uncertain significance. Last evaluated: 2022-08-23. Review status: criteria provided, single submitter. Criteria: Invitae Variant Classification Sherloc (09022015). Collection method: clinical testing. Allele origin: germline.
Comment: In summary, the available evidence is currently insufficient to determine the role of this variant in disease. Therefore, it has been classified as a Variant of Uncertain Significance. This variant has not been reported in the literature in individuals affected with SLC10A2-related conditions. This variant is present in population databases (rs775205326, gnomAD 0.03%). This sequence change creates a premature translational stop signal (p.Met49Asnfs*43) in the SLC10A2 gene. It is expected to result in an absent or disrupted protein product. However, the current clinical and genetic evidence is not sufficient to establish whether loss-of-function variants in SLC10A2 cause disease.